The following is an entry in ClinVar:

NM_001374828.1(ARID1B):c.1235CAGGAG[1] (p.412AG[1])

Gene: ARID1B (AT-rich interaction domain 1B; plus strand). Cytogenetic location: 6q25.3.
Variant type: Microsatellite.
Coding change: c.1235CAGGAG[1] on transcript NM_001374828.1 (MANE Select); one copy of the 6-base unit CAGGAG starting at c.1235; the reference has two copies in a row; one copy, 6 bases deleted.
Protein change: p.412AG[1].
Molecular consequence: inframe deletion.
Genome position (GRCh38, 1-based): chr6:156,778,921-156,778,926, CAGGAG deleted; deleting any 6 consecutive bases within chr6:156,778,910-156,778,926 gives the same sequence; the position shown is the placement nearest the transcript's 3' end. VCF-style (leftmost placement, unchanged base first): chr6-156778909-GAGGAGC-G. GRCh37 (hg19) VCF-style: chr6-157100043-GAGGAGC-G.
Other names: c.992_997del (NM_020732.3); c.992_997delCAGGAG (NM_020732.3); c.992_997del6 (NM_020732.3); c.1235CAGGAG[1], p.412AG[1] (NM_001371656.1, NM_001374820.1, NM_017519.3).
Identifiers: ClinVar variation 434375 (VCV000434375.24), dbSNP rs747438636, ClinGen allele CA571907200.

ClinVar aggregate classification (germline): Conflicting classifications of pathogenicity. Review status: criteria provided, conflicting classifications (1 of 4 stars). 6 submissions from 6 submitters: Uncertain significance (1); Likely benign (4). 1 of the submissions does not count toward it. Last evaluated 2026-09-01.

Conditions:
ARID1B-Related Disorder. Identifiers: MedGen CN381337.
Inborn genetic diseases. Identifiers: MedGen C0950123, MeSH D030342.

Submissions (6):

CeGaT Center for Human Genetics Tuebingen
Classification: Likely benign. Last evaluated: 2026-09-01. Review status: criteria provided, single submitter. Criteria: CeGaT Center For Human Genetics Tuebingen Variant Classification Criteria Version 2. Collection method: clinical testing. Allele origin: germline. Affected: yes. Observed: 2 variant alleles.
Comment: ARID1B: BS1

Labcorp Genetics (formerly Invitae), Labcorp
Classification: Likely benign. Last evaluated: 2025-04-17. Review status: criteria provided, single submitter. Criteria: Invitae Variant Classification Sherloc (09022015). Collection method: clinical testing. Allele origin: germline.

GeneDx
Classification: Likely benign. Last evaluated: 2021-08-06. Review status: criteria provided, single submitter. Criteria: GeneDx Variant Classification Process June 2021. Collection method: clinical testing. Allele origin: germline. Affected: yes.

Ambry Genetics
Classification: Likely benign for Inborn genetic diseases. Last evaluated: 2017-07-21. Review status: criteria provided, single submitter. Criteria: Ambry Variant Classification Scheme 2023. Collection method: clinical testing. Allele origin: germline.

Genetic Services Laboratory, University of Chicago
Classification: Uncertain significance. Last evaluated: 2016-09-06. Review status: criteria provided, single submitter. Criteria: ACMG Guidelines, 2015. Collection method: clinical testing. Allele origin: germline. Affected: no.

PreventionGenetics, part of Exact Sciences
Classification: Likely benign for ARID1B-related condition. Last evaluated: 2022-02-16. Review status: no assertion criteria provided. Collection method: clinical testing. Allele origin: germline. Not counted in ClinVar's aggregate classification.
Comment: This variant is classified as likely benign based on ACMG/AMP sequence variant interpretation guidelines (Richards et al. 2015 PMID: 25741868, with internal and published modifications).